The following is an entry in ClinVar:

NM_004963.4(GUCY2C):c.952A>G (p.Lys318Glu)

Genes: GUCY2C (guanylate cyclase 2C; minus strand), GUCY2C-AS1 (GUCY2C antisense RNA 1; plus strand). Cytogenetic location: 12p12.3.
Variant type: single nucleotide variant.
Coding change: c.952A>G on transcript NM_004963.4 (MANE Select); coding-DNA position 952, A replaced by G.
Protein change: p.Lys318Glu; replaces lysine 318 with glutamic acid.
Molecular consequence: missense variant.
Genome position (GRCh38, 1-based): chr12:14,674,757, T>C on the plus strand (A>G on the coding strand, the complement: GUCY2C is on the minus strand). VCF-style: chr12-14674757-T-C. GRCh37 (hg19) VCF-style: chr12-14827691-T-C.
Other names: short protein forms K318E.
Identifiers: ClinVar variation 1391655 (VCV001391655.6), dbSNP rs747104652, ClinGen allele CA233229666.

ClinVar aggregate classification (germline): Uncertain significance (1 of 4 stars; one submission).

Allele frequency attached by ClinVar (database versions not stated): TOPMed 0.00001; gnomAD exomes 0.00002 and 0.00011; gnomAD 0.00003.
gnomAD v4.1: 165 of 1,601,490 alleles (0.01%); highest among the groups gnomAD compares: Non-Finnish European, 0.014%; no homozygotes.

Submission:

Labcorp Genetics (formerly Invitae), Labcorp
Classification: Uncertain significance. Last evaluated: 2025-12-07. Review status: criteria provided, single submitter. Criteria: Invitae Variant Classification Sherloc (09022015). Collection method: clinical testing. Allele origin: germline.
Comment: This sequence change replaces lysine, which is basic and polar, with glutamic acid, which is acidic and polar, at codon 318 of the GUCY2C protein (p.Lys318Glu). This variant is present in population databases (rs747104652, gnomAD 0.005%). This variant has not been reported in the literature in individuals affected with GUCY2C-related conditions. ClinVar contains an entry for this variant (Variation ID: 1391655). Invitae Evidence Modeling of protein sequence and biophysical properties (such as structural, functional, and spatial information, amino acid conservation, physicochemical variation, residue mobility, and thermodynamic stability) indicates that this missense variant is not expected to disrupt GUCY2C protein function with a negative predictive value of 80%. Algorithms developed to predict the effect of sequence changes on RNA splicing suggest that this variant may create or strengthen a splice site. In summary, the available evidence is currently insufficient to determine the role of this variant in disease. Therefore, it has been classified as a Variant of Uncertain Significance.